The following is an entry in ClinVar:

ClinVar aggregate classification (germline): Uncertain significance (1 of 4 stars; one submission).

Submission:

GeneDx
Classification: Uncertain significance. Last evaluated: 2023-07-13. Review status: criteria provided, single submitter. Criteria: GeneDx Variant Classification Process June 2021. Collection method: clinical testing. Allele origin: germline. Affected: yes.
Comment: Not observed at significant frequency in large population cohorts (gnomAD); In silico analysis supports that this missense variant has a deleterious effect on protein structure/function; Has not been previously published as pathogenic or benign to our knowledge

NM_005120.3(MED12):c.1137G>C (p.Trp379Cys)

Gene: MED12 (mediator complex subunit 12; plus strand). Cytogenetic location: Xq13.1.
Variant type: single nucleotide variant.
Coding change: c.1137G>C on transcript NM_005120.3 (MANE Select); coding-DNA position 1137, G replaced by C.
Protein change: p.Trp379Cys; replaces tryptophan 379 with cysteine.
Molecular consequence: missense variant.
Genome position (GRCh38, 1-based): chrX:71,122,235, G>C. VCF-style: chrX-71122235-G-C. GRCh37 (hg19) VCF-style: chrX-70342085-G-C.
Other names: short protein forms W379C.
Identifiers: ClinVar variation 3252818 (VCV003252818.1), dbSNP rs2519669755.